The following is an entry in ClinVar:

ClinVar aggregate classification (germline): Likely pathogenic. Review status: criteria provided, single submitter (1 of 4 stars). 2 submissions from 2 submitters: Likely pathogenic (1). 1 of the submissions does not count toward it. Last evaluated 2025-06-05.

Conditions:
Pendred syndrome (PDS). Also called: DEAFNESS WITH GOITER; GOITER-DEAFNESS SYNDROME; HYPOTHYROIDISM, CONGENITAL, DUE TO DYSHORMONOGENESIS, 2B; THYROID DYSHORMONOGENESIS 2B; THYROID HORMONOGENESIS, GENETIC DEFECT IN, 2B; Pendred's syndrome. Identifiers: Orphanet 705, MedGen C0271829, MONDO:0010134, OMIM 274600.
Autosomal recessive nonsyndromic hearing loss 4 (DFNB4). Also called: Deafness, autosomal recessive 4; Nonsyndromic enlarged vestibular aqueduct (NSEVA); NEUROSENSORY NONSYNDROMIC RECESSIVE DEAFNESS 4; FOXI1-Related Pendred Syndrome; KCNJ10-Related Pendred Syndrome; DEAFNESS, AUTOSOMAL RECESSIVE 4, WITH ENLARGED VESTIBULAR AQUEDUCT, DIGENIC. Identifiers: Orphanet 90636, MedGen C3538946, MONDO:0010933, OMIM 600791.

Submissions (2):

Natera, Inc.
Classification: Likely pathogenic for Pendred syndrome. Last evaluated: 2025-06-05. Review status: criteria provided, single submitter. Criteria: Natera Variant Classification Schema (03/2026). Collection method: clinical testing. Allele origin: germline.
Comment: The c.2069T>A variant in SLC26A4 is a missense variant predicted to cause substitution of valine to glutamic acid at amino acid 690. This variant is rare in the general population with a frequency below the threshold expected for the associated phenotype(s). This variant has been observed in one or more individuals affected with the associated recessive disease, as either homozygous or compound heterozygous with a second variant (PMID: 35804348, 33540994). Computational prediction algorithms indicate this variant is likely to affect gene or protein function. Given the available evidence, this variant is classified as Likely Pathogenic.

Medical Genetics Lab, Xi'an People's Hospital(Xi'an Fourth Hospital)
Classification: Likely pathogenic for Autosomal recessive nonsyndromic hearing loss 4. Review status: no assertion criteria provided. Collection method: clinical testing. Allele origin: paternal. Inheritance: Autosomal recessive inheritance. Affected: yes. Observed: 1 variant allele, 1 compound heterozygote. Not counted in ClinVar's aggregate classification.

Literature cited by the submitters: PubMed 35804348 (cited by Natera, Inc.); PubMed 33540994 (cited by Natera, Inc.).

NM_000441.2(SLC26A4):c.2069T>A (p.Val690Glu)

Gene: SLC26A4 (solute carrier family 26 member 4; plus strand). Cytogenetic location: 7q22.3.
Variant type: single nucleotide variant.
Coding change: c.2069T>A on transcript NM_000441.2 (MANE Select); coding-DNA position 2069, T replaced by A.
Protein change: p.Val690Glu; replaces valine 690 with glutamic acid.
Molecular consequence: missense variant.
Genome position (GRCh38, 1-based): chr7:107,704,365, T>A. VCF-style: chr7-107704365-T-A. GRCh37 (hg19) VCF-style: chr7-107344810-T-A.
Other names: c.2069T>A (NM_000441.1); short protein forms V690E.
Identifiers: ClinVar variation 1048780 (VCV001048780.4), dbSNP rs2129318790, ClinGen allele CA368844436.